The following is an entry in ClinVar:

NM_024675.4(PALB2):c.1222T>G (p.Tyr408Asp)

Gene: PALB2 (partner and localizer of BRCA2; minus strand). Cytogenetic location: 16p12.2.
Variant type: single nucleotide variant.
Coding change: c.1222T>G on transcript NM_024675.4 (MANE Select); coding-DNA position 1222, T replaced by G.
Protein change: p.Tyr408Asp; replaces tyrosine 408 with aspartic acid.
Molecular consequence: missense variant.
Genome position (GRCh38, 1-based): chr16:23,635,324, A>C on the plus strand (T>G on the coding strand, the complement: PALB2 is on the minus strand). VCF-style: chr16-23635324-A-C. GRCh37 (hg19) VCF-style: chr16-23646645-A-C.
Other names: short protein forms Y408D.
Identifiers: ClinVar variation 185091 (VCV000185091.19), dbSNP rs515726064, ClinGen allele CA190986.

ClinVar aggregate classification (germline): Uncertain significance. Review status: criteria provided, multiple submitters, no conflicts (2 of 4 stars). 4 submissions from 4 submitters: Uncertain significance (3). 1 of the submissions does not count toward it. Last evaluated 2026-01-02.

Conditions:
Hereditary cancer-predisposing syndrome. Also called: Hereditary neoplastic syndrome; Neoplastic Syndromes, Hereditary; Tumor predisposition; Hereditary Cancer Syndrome. Identifiers: Orphanet 140162, MedGen C0027672, MeSH D009386, MONDO:0015356.
Familial cancer of breast. Also called: BREAST CANCER, FAMILIAL; Hereditary breast cancer; hereditary breast carcinoma. Identifiers: Orphanet 227535, MedGen C0346153, MONDO:0016419, OMIM 114480. Disease mechanism: loss of function.

Allele frequency attached by ClinVar (database versions not stated): TOPMed 0.00001.
gnomAD v4.1: 5 of 1,614,042 alleles (0.00031%); highest among the groups gnomAD compares: East Asian, 0.0089%; no homozygotes.

Submissions (4):

Labcorp Genetics (formerly Invitae), Labcorp
Classification: Uncertain significance for Familial cancer of breast. Last evaluated: 2026-01-02. Review status: criteria provided, single submitter. Criteria: Invitae Variant Classification Sherloc (09022015). Collection method: clinical testing. Allele origin: germline.
Comment: This sequence change replaces tyrosine, which is neutral and polar, with aspartic acid, which is acidic and polar, at codon 408 of the PALB2 protein (p.Tyr408Asp). This variant is not present in population databases (gnomAD no frequency). This missense change has been observed in individual(s) with breast cancer (PMID: 30287823). ClinVar contains an entry for this variant (Variation ID: 185091). Invitae Evidence Modeling of protein sequence and biophysical properties (such as structural, functional, and spatial information, amino acid conservation, physicochemical variation, residue mobility, and thermodynamic stability) indicates that this missense variant is expected to disrupt PALB2 protein function with a positive predictive value of 80%. In summary, the available evidence is currently insufficient to determine the role of this variant in disease. Therefore, it has been classified as a Variant of Uncertain Significance.

Color Diagnostics, LLC DBA Color Health
Classification: Uncertain significance for Hereditary cancer-predisposing syndrome. Last evaluated: 2025-05-20. Review status: criteria provided, single submitter. Criteria: ACMG Guidelines, 2015. Collection method: clinical testing. Allele origin: germline.
Comment: This missense variant replaces tyrosine with aspartic acid at codon 408 of the PALB2 protein. Computational prediction suggests that this variant may not impact protein structure and function. To our knowledge, functional studies have not been reported for this variant. This variant has not been reported in individuals affected with PALB2-related disorders in the literature. This variant has not been identified in the general population by the Genome Aggregation Database (gnomAD). The available evidence is insufficient to determine the role of this variant in disease conclusively. Therefore, this variant is classified as a Variant of Uncertain Significance.

Ambry Genetics
Classification: Uncertain significance for Hereditary cancer-predisposing syndrome. Last evaluated: 2024-04-03. Review status: criteria provided, single submitter. Criteria: Ambry Variant Classification Scheme 2023. Collection method: clinical testing. Allele origin: germline.
Comment: The p.Y408D variant (also known as c.1222T>G), located in coding exon 4 of the PALB2 gene, results from a T to G substitution at nucleotide position 1222. The tyrosine at codon 408 is replaced by aspartic acid, an amino acid with highly dissimilar properties. This alteration was observed with an allele frequency of 0.00028 in 7,051 unselected female breast cancer patients and was observed with an allele frequency of 0.0000 in 11,241 female controls of Japanese ancestry. In addition, it was observed with an allele frequency of 0.0000 in 53 unselected male breast cancer patients and was observed with an allele frequency of 0.0001 in 12,490 male controls of Japanese ancestry (Momozawa Y et al. Nat Commun, 2018 10;9:4083). This amino acid position is highly conserved in available vertebrate species. In addition, this alteration is predicted to be deleterious by in silico analysis. Since supporting evidence is limited at this time, the clinical significance of this alteration remains unclear.

Leiden Open Variation Database
Classification: Uncertain significance. Last evaluated: 2018-10-10. Review status: no assertion criteria provided. Collection method: curation. Allele origin: germline. Affected: yes. Not counted in ClinVar's aggregate classification.
Comment: Curators: Marc Tischkowitz, Arleen D. Auerbach. Submitter to LOVD: Yukihide Momozawa.

Literature cited by the submitters: PubMed 30287823 (cited by 3 submitters).